The following is an entry in ClinVar:

NM_001291303.3(FAT4):c.10G>A (p.Ala4Thr)

Gene: FAT4 (FAT atypical cadherin 4; plus strand). Cytogenetic location: 4q28.1.
Variant type: single nucleotide variant.
Coding change: c.10G>A on transcript NM_001291303.3 (MANE Select); coding-DNA position 10, G replaced by A.
Protein change: p.Ala4Thr; replaces alanine 4 with threonine.
Molecular consequence: missense variant.
Genome position (GRCh38, 1-based): chr4:125,316,421, G>A. VCF-style: chr4-125316421-G-A. GRCh37 (hg19) VCF-style: chr4-126237576-G-A.
Other names: c.10G>A, p.Ala4Thr (NM_001291285.3, NM_024582.6); c.10G>A (NM_024582.5); short protein forms A4T.
Identifiers: ClinVar variation 1485605 (VCV001485605.4), dbSNP rs942468629, ClinGen allele CA104860435.

ClinVar aggregate classification (germline): Uncertain significance. Review status: criteria provided, multiple submitters, no conflicts (2 of 4 stars). 2 submissions from 2 submitters: Uncertain significance (2). Last evaluated 2024-06-17.

Conditions:
Hennekam lymphangiectasia-lymphedema syndrome 2 (HKLLS2). Identifiers: Orphanet 2136, MedGen C4014939, MONDO:0014454, OMIM 616006.
Van Maldergem syndrome 2 (VMLDS2). Identifiers: Orphanet 314679, MedGen C3809875, MONDO:0014242, OMIM 615546.

Allele frequency attached by ClinVar (database versions not stated): gnomAD exomes below 0.00001 and 0.00001; gnomAD 0.00001; TOPMed 0.00002.
gnomAD v4.1: 21 of 1,609,724 alleles (0.0013%); highest among the groups gnomAD compares: Non-Finnish European, 0.0018%; no homozygotes.

Submissions (2):

Fulgent Genetics
Classification: Uncertain significance for Van Maldergem syndrome 2; Hennekam lymphangiectasia-lymphedema syndrome 2. Last evaluated: 2024-06-17. Review status: criteria provided, single submitter. Criteria: ACMG Guidelines, 2015. Collection method: clinical testing. Allele origin: germline.

Labcorp Genetics (formerly Invitae), Labcorp
Classification: Uncertain significance. Last evaluated: 2022-08-22. Review status: criteria provided, single submitter. Criteria: Invitae Variant Classification Sherloc (09022015). Collection method: clinical testing. Allele origin: germline.
Comment: This sequence change replaces alanine, which is neutral and non-polar, with threonine, which is neutral and polar, at codon 4 of the FAT4 protein (p.Ala4Thr). This variant is present in population databases (no rsID available, gnomAD 0.002%). This variant has not been reported in the literature in individuals affected with FAT4-related conditions. ClinVar contains an entry for this variant (Variation ID: 1485605). Advanced modeling of protein sequence and biophysical properties (such as structural, functional, and spatial information, amino acid conservation, physicochemical variation, residue mobility, and thermodynamic stability) performed at Invitae indicates that this missense variant is not expected to disrupt FAT4 protein function. In summary, the available evidence is currently insufficient to determine the role of this variant in disease. Therefore, it has been classified as a Variant of Uncertain Significance.